The following is an entry in ClinVar:

ClinVar aggregate classification (germline): Uncertain significance (1 of 4 stars; one submission).

Allele frequency attached by ClinVar (database versions not stated): ExAC 0.00002.
gnomAD v4.1: 7 of 1,599,056 alleles (0.00044%); highest among the groups gnomAD compares: African/African-American, 0.0013%; no homozygotes.

Submission:

Labcorp Genetics (formerly Invitae), Labcorp
Classification: Uncertain significance. Last evaluated: 2021-07-18. Review status: criteria provided, single submitter. Criteria: Invitae Variant Classification Sherloc (09022015). Collection method: clinical testing. Allele origin: germline.
Comment: This sequence change replaces arginine with glutamine at codon 557 of the LSS protein (p.Arg557Gln). The arginine residue is highly conserved and there is a small physicochemical difference between arginine and glutamine. This variant also falls at the last nucleotide of exon 17, which is part of the consensus splice site for this exon. This variant is present in population databases (rs771339490, ExAC 0.004%). This variant has not been reported in the literature in individuals affected with LSS-related conditions. Algorithms developed to predict the effect of missense changes on protein structure and function are either unavailable or do not agree on the potential impact of this missense change (SIFT: "Deleterious"; PolyPhen-2: "Benign"; Align-GVGD: "Class C0"). Nucleotide substitutions within the consensus splice site are a relatively common cause of aberrant splicing (PMID: 17576681, 9536098). Algorithms developed to predict the effect of sequence changes on RNA splicing suggest that this variant may disrupt the consensus splice site. In summary, the available evidence is currently insufficient to determine the role of this variant in disease. Therefore, it has been classified as a Variant of Uncertain Significance.

Literature cited by the submitters: PubMed 17576681; PubMed 9536098.

NM_002340.6(LSS):c.1670G>A (p.Arg557Gln)

Gene: LSS (lanosterol synthase; minus strand). Cytogenetic location: 21q22.3.
Variant type: single nucleotide variant.
Coding change: c.1670G>A on transcript NM_002340.6 (MANE Select); coding-DNA position 1670, G replaced by A.
Protein change: p.Arg557Gln; replaces arginine 557 with glutamine.
Molecular consequence: missense variant.
Genome position (GRCh38, 1-based): chr21:46,205,836, C>T on the plus strand (G>A on the coding strand, the complement: LSS is on the minus strand). VCF-style: chr21-46205836-C-T. GRCh37 (hg19) VCF-style: chr21-47625750-C-T.
Other names: c.1670G>A, p.Arg557Gln (NM_001001438.3); c.1637G>A, p.Arg546Gln (NM_001145436.2); c.1430G>A, p.Arg477Gln (NM_001145437.2); short protein forms R477Q, R557Q, R546Q.
Identifiers: ClinVar variation 1433518 (VCV001433518.1), dbSNP rs771339490, ClinGen allele CA10074923.